The following is an entry in ClinVar:

ClinVar aggregate classification (germline): Uncertain significance (1 of 4 stars; one submission).

Submission:

GeneDx
Classification: Uncertain significance. Last evaluated: 2024-12-18. Review status: criteria provided, single submitter. Criteria: GeneDx Variant Classification Process June 2021. Collection method: clinical testing. Allele origin: germline. Affected: yes.
Comment: Not observed at significant frequency in large population cohorts (gnomAD); In silico analysis supports that this missense variant has a deleterious effect on protein structure/function; Has not been previously published as pathogenic or benign to our knowledge

NM_001378183.1(PIEZO2):c.3124C>A (p.Pro1042Thr)

Gene: PIEZO2 (piezo type mechanosensitive ion channel component 2; minus strand). Cytogenetic location: 18p11.22.
Variant type: single nucleotide variant.
Coding change: c.3124C>A on transcript NM_001378183.1 (MANE Select); coding-DNA position 3124, C replaced by A.
Protein change: p.Pro1042Thr; replaces proline 1042 with threonine.
Molecular consequence: missense variant.
Genome position (GRCh38, 1-based): chr18:10,762,625, G>T on the plus strand (C>A on the coding strand, the complement: PIEZO2 is on the minus strand). VCF-style: chr18-10762625-G-T. GRCh37 (hg19) VCF-style: chr18-10762623-G-T.
Other names: c.3124C>A, p.Pro1042Thr (NM_001410871.1); c.3049C>A, p.Pro1017Thr (NM_022068.4); short protein forms P1017T, P1042T.
Identifiers: ClinVar variation 3906333 (VCV003906333.1).